The following is an entry in ClinVar:

ClinVar aggregate classification (germline): Uncertain significance (1 of 4 stars; one submission).

Conditions:
T-cell immunodeficiency, congenital alopecia, and nail dystrophy. Also called: Congenital alopecia and nail dystrophy associated with severe functional T-cell immunodeficiency; Pignata Guarino syndrome. Identifiers: Orphanet 169095, MedGen C1866426, MONDO:0011132, OMIM 601705.

Submission:

Labcorp Genetics (formerly Invitae), Labcorp
Classification: Uncertain significance for T-cell immunodeficiency, congenital alopecia, and nail dystrophy. Last evaluated: 2025-07-02. Review status: criteria provided, single submitter. Criteria: Invitae Variant Classification Sherloc (09022015). Collection method: clinical testing. Allele origin: germline.
Comment: This sequence change replaces alanine, which is neutral and non-polar, with valine, which is neutral and non-polar, at codon 168 of the FOXN1 protein (p.Ala168Val). This variant is not present in population databases (gnomAD no frequency). This variant has not been reported in the literature in individuals affected with FOXN1-related conditions. Invitae Evidence Modeling of protein sequence and biophysical properties (such as structural, functional, and spatial information, amino acid conservation, physicochemical variation, residue mobility, and thermodynamic stability) indicates that this missense variant is not expected to disrupt FOXN1 protein function with a negative predictive value of 80%. In summary, the available evidence is currently insufficient to determine the role of this variant in disease. Therefore, it has been classified as a Variant of Uncertain Significance.

NM_001369369.1(FOXN1):c.503C>T (p.Ala168Val)

Gene: FOXN1 (forkhead box N1; plus strand). Cytogenetic location: 17q11.2.
Variant type: single nucleotide variant.
Coding change: c.503C>T on transcript NM_001369369.1 (MANE Select); coding-DNA position 503, C replaced by T.
Protein change: p.Ala168Val; replaces alanine 168 with valine.
Molecular consequence: missense variant.
Genome position (GRCh38, 1-based): chr17:28,524,882, C>T. VCF-style: chr17-28524882-C-T. GRCh37 (hg19) VCF-style: chr17-26851900-C-T.
Other names: c.503C>T, p.Ala168Val (NM_003593.3); short protein forms A168V.
Identifiers: ClinVar variation 4767496 (VCV004767496.1).